The following is an entry in ClinVar:

ClinVar aggregate classification (germline): Uncertain significance. Review status: criteria provided, multiple submitters, no conflicts (2 of 4 stars). 2 submissions from 2 submitters: Uncertain significance (2). Last evaluated 2026-01-05.

Allele frequency attached by ClinVar (database versions not stated): TOPMed 0.00002; gnomAD exomes 0.00003; gnomAD 0.00004; ExAC 0.00007; 1000 Genomes Project 30x 0.00016; 1000 Genomes Project 0.00020.
gnomAD v4.1: 44 of 1,614,112 alleles (0.0027%); highest among the groups gnomAD compares: Admixed American, 0.0033%; no homozygotes.

Submissions (2):

Labcorp Genetics (formerly Invitae), Labcorp
Classification: Uncertain significance. Last evaluated: 2026-01-05. Review status: criteria provided, single submitter. Criteria: Invitae Variant Classification Sherloc (09022015). Collection method: clinical testing. Allele origin: germline.
Comment: This sequence change replaces arginine, which is basic and polar, with glutamine, which is neutral and polar, at codon 74 of the ATP1A1 protein (p.Arg74Gln). This variant is present in population databases (rs564786229, gnomAD 0.009%). This variant has not been reported in the literature in individuals affected with ATP1A1-related conditions. ClinVar contains an entry for this variant (Variation ID: 2422056). Invitae Evidence Modeling of protein sequence and biophysical properties (such as structural, functional, and spatial information, amino acid conservation, physicochemical variation, residue mobility, and thermodynamic stability) indicates that this missense variant is not expected to disrupt ATP1A1 protein function with a negative predictive value of 95%. In summary, the available evidence is currently insufficient to determine the role of this variant in disease. Therefore, it has been classified as a Variant of Uncertain Significance.

CeGaT Center for Human Genetics Tuebingen
Classification: Uncertain significance. Last evaluated: 2022-03-01. Review status: criteria provided, single submitter. Criteria: CeGaT Center For Human Genetics Tuebingen Variant Classification Criteria Version 2. Collection method: clinical testing. Allele origin: germline. Affected: yes. Observed: 1 variant allele.
Comment: ATP1A1: PP2

NM_000701.8(ATP1A1):c.221G>A (p.Arg74Gln)

Gene: ATP1A1 (ATPase Na+/K+ transporting subunit alpha 1; plus strand). Cytogenetic location: 1p13.1.
Variant type: single nucleotide variant.
Coding change: c.221G>A on transcript NM_000701.8 (MANE Select); coding-DNA position 221, G replaced by A.
Protein change: p.Arg74Gln; replaces arginine 74 with glutamine.
Molecular consequence: missense variant.
Genome position (GRCh38, 1-based): chr1:116,387,325, G>A. VCF-style: chr1-116387325-G-A. GRCh37 (hg19) VCF-style: chr1-116929947-G-A.
Other names: c.221G>A, p.Arg74Gln (NM_001160233.2); c.128G>A, p.Arg43Gln (NM_001160234.2); short protein forms R43Q, R74Q.
Identifiers: ClinVar variation 2422056 (VCV002422056.30), dbSNP rs564786229, ClinGen allele CA1025076.